The following is an entry in ClinVar:

ClinVar aggregate classification (germline): Uncertain significance. Review status: criteria provided, multiple submitters, no conflicts (2 of 4 stars). 3 submissions from 3 submitters: Uncertain significance (3). Last evaluated 2025-06-10.

Allele frequency attached by ClinVar (database versions not stated): gnomAD exomes 0.00001; gnomAD 0.00001; TOPMed below 0.00001; ExAC 0.00001.
gnomAD v4.1: 7 of 1,613,798 alleles (0.00043%); highest among the groups gnomAD compares: Admixed American, 0.012%; no homozygotes.

Submissions (3):

Women's Health and Genetics/Laboratory Corporation of America, LabCorp
Classification: Uncertain significance. Last evaluated: 2025-06-10. Review status: criteria provided, single submitter. Criteria: LabCorp Variant Classification Summary - May 2015. Collection method: clinical testing. Allele origin: germline.
Comment: Variant summary: SHOX c.347A>G (p.Lys116Arg) results in a conservative amino acid change in the encoded protein sequence. Algorithms developed to predict the effect of missense changes on protein structure and function are either unavailable or do not agree on the potential impact of this missense change. The variant allele was found at a frequency of 1.2e-05 in 249788 control chromosomes. The available data on variant occurrences in the general population are insufficient to allow any conclusion about variant significance. To our knowledge, no occurrence of c.347A>G in individuals affected with Short Stature and no experimental evidence demonstrating its impact on protein function have been reported. ClinVar contains an entry for this variant (Variation ID: 36774). Based on the evidence outlined above, the variant was classified as uncertain significance.

Athena Diagnostics
Classification: Uncertain significance. Last evaluated: 2024-12-06. Review status: criteria provided, single submitter. Criteria: Athena Diagnostics Criteria. Collection method: clinical testing. Allele origin: unknown.
Comment: Available data are insufficient to determine the clinical significance of the variant at this time. The frequency of this variant in the general population is uninformative in assessment of its pathogenicity. This variant has been identified in at least one individual with clinical features associated with this gene.

Greenwood Genetic Center Diagnostic Laboratories, Greenwood Genetic Center
Classification: Uncertain significance. Last evaluated: 2024-02-13. Review status: criteria provided, single submitter. Criteria: ACMG Guidelines, 2015. Collection method: clinical testing. Allele origin: germline. Affected: yes.
Comment: PM2

Literature cited by the submitters: PubMed 32827758 (cited by Athena Diagnostics).

NM_000451.4(SHOX):c.347A>G (p.Lys116Arg)

Genes: SHOX (SHOX homeobox; plus strand), LOC107652445 (meiotic recombination hotspot SHOX; plus strand). Cytogenetic location: Xp22.33.
Variant type: single nucleotide variant.
Coding change: c.347A>G on transcript NM_000451.4 (MANE Select); coding-DNA position 347, A replaced by G.
Protein change: p.Lys116Arg; replaces lysine 116 with arginine.
Molecular consequence: missense variant.
Genome position (GRCh38, 1-based): chrX:634,687, A>G. VCF-style: chrX-634687-A-G. GRCh37 (hg19) VCF-style: chrX-595422-A-G.
Other names: c.347A>G, p.Lys116Arg (NM_006883.2); short protein forms K116R.
Identifiers: ClinVar variation 36774 (VCV000036774.7), dbSNP rs193922466, ClinGen allele CA214246.